The following is an entry in ClinVar:

NM_000222.3(KIT):c.2201C>G (p.Thr734Ser)

Gene: KIT (KIT proto-oncogene, receptor tyrosine kinase; plus strand). Cytogenetic location: 4q12.
Variant type: single nucleotide variant.
Coding change: c.2201C>G on transcript NM_000222.3 (MANE Select); coding-DNA position 2201, C replaced by G.
Protein change: p.Thr734Ser; replaces threonine 734 with serine.
Molecular consequence: missense variant.
Genome position (GRCh38, 1-based): chr4:54,731,387, C>G. VCF-style: chr4-54731387-C-G. GRCh37 (hg19) VCF-style: chr4-55597553-C-G.
Other names: c.2189C>G, p.Thr730Ser (NM_001093772.2, NM_001385292.1); c.2204C>G, p.Thr735Ser (NM_001385284.1); c.2198C>G, p.Thr733Ser (NM_001385285.1); c.2186C>G, p.Thr729Ser (NM_001385286.1); c.2192C>G, p.Thr731Ser (NM_001385288.1); c.2201C>G, p.Thr734Ser (NM_001385290.1); short protein forms T729S, T730S, T731S, T733S, T734S, T735S.
Identifiers: ClinVar variation 1058060 (VCV001058060.9), dbSNP rs2109792602, ClinGen allele CA356910730.

ClinVar aggregate classification (germline): Uncertain significance (1 of 4 stars; one submission).

Conditions:
Gastrointestinal stromal tumor. Also called: Gastrointestinal stromal tumor, somatic; Gastrointestinal stroma tumor. Identifiers: Orphanet 44890, MedGen C0238198, MeSH D046152, MONDO:0011719, OMIM 606764, HP:0100723.

Allele frequency attached by ClinVar (database versions not stated): gnomAD exomes below 0.00001.
gnomAD v4.1: 1 of 1,613,256 alleles (0.000062%); highest among the groups gnomAD compares: Non-Finnish European, 0.000085%; no homozygotes.

Submission:

Labcorp Genetics (formerly Invitae), Labcorp
Classification: Uncertain significance for Gastrointestinal stromal tumor. Last evaluated: 2020-03-04. Review status: criteria provided, single submitter. Criteria: Invitae Variant Classification Sherloc (09022015). Collection method: clinical testing. Allele origin: germline.
Comment: In summary, the available evidence is currently insufficient to determine the role of this variant in disease. Therefore, it has been classified as a Variant of Uncertain Significance. Algorithms developed to predict the effect of sequence changes on RNA splicing suggest that this variant may create or strengthen a splice site, but this prediction has not been confirmed by published transcriptional studies. Algorithms developed to predict the effect of missense changes on protein structure and function (SIFT, PolyPhen-2, Align-GVGD) all suggest that this variant is likely to be tolerated, but these predictions have not been confirmed by published functional studies and their clinical significance is uncertain. This variant has not been reported in the literature in individuals with KIT-related conditions. This variant is not present in population databases (ExAC no frequency). This sequence change replaces threonine with serine at codon 734 of the KIT protein (p.Thr734Ser). The threonine residue is highly conserved and there is a small physicochemical difference between threonine and serine.